The following is an entry in ClinVar:

ClinVar aggregate classification (germline): Likely benign (1 of 4 stars; one submission).

Allele frequency attached by ClinVar (database versions not stated): TOPMed 0.00002 and 0.00001.

Submission:

GeneDx
Classification: Likely benign. Last evaluated: 2018-05-04. Review status: criteria provided, single submitter. Criteria: GeneDx Variant Classification (06012015). Collection method: clinical testing. Allele origin: germline. Affected: yes.
Comment: This variant is considered likely benign or benign based on one or more of the following criteria: it is a conservative change, it occurs at a poorly conserved position in the protein, it is predicted to be benign by multiple in silico algorithms, and/or has population frequency not consistent with disease.

NM_001909.5(CTSD):c.-6G>T

Genes: CTSD (cathepsin D; minus strand), LOC130005119 (ATAC-STARR-seq lymphoblastoid silent region 3058; plus strand). Cytogenetic location: 11p15.5.
Variant type: single nucleotide variant.
Coding change: c.-6G>T on transcript NM_001909.5 (MANE Select); 6 bases upstream of the start codon, G replaced by T.
Molecular consequence: 5 prime UTR variant.
Genome position (GRCh38, 1-based): chr11:1,763,865, C>A on the plus strand (G>T on the coding strand, the complement: CTSD is on the minus strand). VCF-style: chr11-1763865-C-A. GRCh37 (hg19) VCF-style: chr11-1785095-C-A.
Identifiers: ClinVar variation 668391 (VCV000668391.1), dbSNP rs951801692, ClinGen allele CA216183747.